The following is an entry in ClinVar:

NM_000487.6(ARSA):c.505_508del (p.Pro169fs)

Gene: ARSA (arylsulfatase A; minus strand). Cytogenetic location: 22q13.33.
Variant type: Deletion.
Coding change: c.505_508del on transcript NM_000487.6 (MANE Select); coding-DNA positions 505 to 508, 4 bases deleted (CCTT; older notation c.505_508delCCTT).
Protein change: p.Pro169fs; shifts the reading frame from proline 169.
Molecular consequence: frameshift variant.
Genome position (GRCh38, 1-based): chr22:50,627,010-50,627,013, AAGG deleted on the plus strand (CCTT on the coding strand, the reverse complement: ARSA is on the minus strand); deleting any 4 consecutive bases within chr22:50,627,010-50,627,014 gives the same sequence; the c. name uses the placement nearest the transcript's 3' end. VCF-style (leftmost placement, unchanged base first): chr22-50627009-CAAGG-C. GRCh37 (hg19) VCF-style: chr22-51065437-CAAGG-C.
Other names: c.505_508del, p.Pro169fs (NM_001085425.3, NM_001085426.3, NM_001085427.3); c.247_250del, p.Pro83fs (NM_001085428.3, NM_001362782.2); short protein forms P169fs, P83fs.
Identifiers: ClinVar variation 4060976 (VCV004060976.2).

ClinVar aggregate classification (germline): Likely pathogenic (1 of 4 stars; one submission).

Conditions:
Metachromatic leukodystrophy (MLD). Also called: ARSA DEFICIENCY; CEREBROSIDE SULFATASE DEFICIENCY; METACHROMATIC LEUKOENCEPHALOPATHY; SULFATIDE LIPIDOSIS; Cerebral sclerosis diffuse metachromatic form; Arylsulfatase A Deficiency. Identifiers: Orphanet 512, MedGen C0023522, MONDO:0018868, OMIM 250100.

Submission:

Natera, Inc.
Classification: Likely pathogenic for Metachromatic leukodystrophy. Last evaluated: 2025-02-17. Review status: criteria provided, single submitter. Criteria: Natera Variant Classification Schema (03/2026). Collection method: clinical testing. Allele origin: germline.
Comment: The c.505_508del variant in ARSA is a frameshift variant predicted to shift the reading frame beginning at codon 169 and leads to a stop codon 30 codons downstream. This variant is expected to result in nonsense mediated decay, truncation, or a dysfunctional protein product. This variant is rare in the general population with a frequency below the threshold expected for the associated phenotype(s). Given the available evidence, this variant is classified as Likely Pathogenic.